The following is an entry in ClinVar:

NM_005120.3(MED12):c.4159A>G (p.Ile1387Val)

Gene: MED12 (mediator complex subunit 12; plus strand). Cytogenetic location: Xq13.1.
Variant type: single nucleotide variant.
Coding change: c.4159A>G on transcript NM_005120.3 (MANE Select); coding-DNA position 4159, A replaced by G.
Protein change: p.Ile1387Val; replaces isoleucine 1387 with valine.
Molecular consequence: missense variant.
Genome position (GRCh38, 1-based): chrX:71,132,112, A>G. VCF-style: chrX-71132112-A-G. GRCh37 (hg19) VCF-style: chrX-70351962-A-G.
Other names: short protein forms I1387V.
Identifiers: ClinVar variation 546370 (VCV000546370.13), dbSNP rs1366165823, ClinGen allele CA413525617.
Genomic context (GRCh38, chrX:71,132,112, plus strand): 5'-TGTGCCTTTCATCCTCCCCAGGAGATGAACTCCCTCTTGGAGAACATCGCCAAGGCCACA[A>G]TCGAGGTTTTCCAACAGTCAGCAGAGACAGGGTCATCTTCTGGAAGTACTGCAAGCAACA-3'
Protein context (NP_005111.2, residues 1377-1397): SLLENIAKAT[Ile1387Val]EVFQQSAETG

ClinVar aggregate classification (germline): Uncertain significance. Review status: criteria provided, multiple submitters, no conflicts (2 of 4 stars). 4 submissions from 4 submitters: Uncertain significance (4). Last evaluated 2024-07-11.

Conditions:
FG syndrome 1 (OKS). Also called: OPITZ-KAVEGGIA SYNDROME; FG Syndrome Type 1 (FGS1); KELLER SYNDROME; MENTAL RETARDATION, LARGE HEAD, IMPERFORATE ANUS, CONGENITAL HYPOTONIA, AND PARTIAL AGENESIS OF CORPUS CALLOSUM. Identifiers: Orphanet 93932, MedGen C5399762, MONDO:0010590, OMIM 305450.
Cholestasis-pigmentary retinopathy-cleft palate syndrome (HDKR). Also called: Hardikar Syndrome (HS). Identifiers: Orphanet 1415, MedGen C0795969, MeSH C535632, MONDO:0012997, OMIM 301068.
X-linked intellectual disability with marfanoid habitus. Also called: INTELLECTUAL DEVELOPMENTAL DISORDER, X-LINKED, SYNDROMIC, LUJAN-FRYNS TYPE; Lujan Syndrome; X-linked mental retardation with marfanoid habitus syndrome; Lujan Syndrome (LS). Identifiers: Orphanet 776, MedGen C0796022, MONDO:0010655, OMIM 309520.
Blepharophimosis - intellectual disability syndrome, MKB type. Also called: Ohdo syndrome, X-linked; BLEPHAROPHIMOSIS-MENTAL RETARDATION SYNDROME, MAAT-KIEVIT-BRUNNER TYPE; X-Linked Ohdo Syndrome (XLOS). Identifiers: Orphanet 293707, MedGen C3698541, MONDO:0010477, OMIM 300895.
Familial thoracic aortic aneurysm and aortic dissection (TAAD). Also called: Thoracic aortic aneurysms and dissections. Identifiers: Orphanet 91387, MedGen C4707243, MONDO:0019625.
FG syndrome (FGS). Identifiers: MedGen C0220769, MONDO:0002010.

Allele frequency attached by ClinVar (database versions not stated): gnomAD exomes 0.00001.

Submissions (4):

Labcorp Genetics (formerly Invitae), Labcorp
Classification: Uncertain significance for FG syndrome. Last evaluated: 2024-07-11. Review status: criteria provided, single submitter. Criteria: Invitae Variant Classification Sherloc (09022015). Collection method: clinical testing. Allele origin: germline.
Comment: This sequence change replaces isoleucine, which is neutral and non-polar, with valine, which is neutral and non-polar, at codon 1387 of the MED12 protein (p.Ile1387Val). This variant is present in population databases (no rsID available, gnomAD 0.005%). This variant has not been reported in the literature in individuals affected with MED12-related conditions. ClinVar contains an entry for this variant (Variation ID: 546370). Advanced modeling of protein sequence and biophysical properties (such as structural, functional, and spatial information, amino acid conservation, physicochemical variation, residue mobility, and thermodynamic stability) has been performed at Invitae for this missense variant, however the output from this modeling did not meet the statistical confidence thresholds required to predict the impact of this variant on MED12 protein function. In summary, the available evidence is currently insufficient to determine the role of this variant in disease. Therefore, it has been classified as a Variant of Uncertain Significance.

Fulgent Genetics
Classification: Uncertain significance for Blepharophimosis - intellectual disability syndrome, MKB type; Cholestasis-pigmentary retinopathy-cleft palate syndrome; FG syndrome 1; X-linked intellectual disability with marfanoid habitus. Last evaluated: 2022-04-25. Review status: criteria provided, single submitter. Criteria: ACMG Guidelines, 2015. Collection method: clinical testing. Allele origin: unknown.

Ambry Genetics
Classification: Uncertain significance for Familial thoracic aortic aneurysm and aortic dissection. Last evaluated: 2021-09-30. Review status: criteria provided, single submitter. Criteria: Ambry Variant Classification Scheme 2023. Collection method: clinical testing. Allele origin: germline.
Comment: The p.I1387V variant (also known as c.4159A>G), located in coding exon 30 of the MED12 gene, results from an A to G substitution at nucleotide position 4159. The isoleucine at codon 1387 is replaced by valine, an amino acid with highly similar properties. Based on data from gnomAD, the G allele has an overall frequency of <0.001% (1/203658) total alleles studied, with 0 hemizygote(s) observed. The highest observed frequency was 0.005% (1/19061) of South Asian alleles. This amino acid position is conserved. In addition, this alteration is predicted to be tolerated by in silico analysis. Since supporting evidence is limited at this time, the clinical significance of this alteration remains unclear.

GeneDx
Classification: Uncertain significance. Last evaluated: 2018-05-14. Review status: criteria provided, single submitter. Criteria: GeneDx Variant Classification (06012015). Collection method: clinical testing. Allele origin: germline. Affected: yes.
Comment: A variant of uncertain significance has been identified in the MED12 gene. The I1387V variant has not been published as a pathogenic variant, nor has it been reported as a benign variant to our knowledge. The I1387V variant is observed in 1/19138 (0.01%) alleles from individuals of South Asian background (Lek et al., 2016). The I1387V variant is a conservative amino acid substitution, which is not likely to impact secondary protein structure as these residues share similar properties. In-silico analyses, including protein predictors and evolutionary conservation, support that this variant does not alter protein structure/function. Based on the currently available information, it is unclear whether this variant is a pathogenic variant or a rare benign variant.